The following is an entry in ClinVar:

ClinVar aggregate classification (germline): Conflicting classifications of pathogenicity. Review status: criteria provided, conflicting classifications (1 of 4 stars). 3 submissions from 3 submitters: Uncertain significance (2); Benign (1). Last evaluated 2025-11-20.

Conditions:
Epilepsy, childhood absence, susceptibility to, 6. Identifiers: Orphanet 64280, MedGen C2749872, MONDO:0012763, OMIM 611942.
Hyperaldosteronism, familial, type IV (HALD4). Also called: FH IV; ALDOSTERONISM, PRIMARY, AND HYPERTENSION. Identifiers: Orphanet 642671, MedGen C4310756, MONDO:0014875, OMIM 617027.
Idiopathic generalized epilepsy. Also called: Generalised epilepsy; EIG. Identifiers: MedGen C0270850, MONDO:0005579, OMIM 600669.

Allele frequency attached by ClinVar (database versions not stated): gnomAD 0.00004 and 0.00005; gnomAD exomes 0.00004 and 0.00006; TOPMed 0.00006; ExAC 0.00007.
gnomAD v4.1: 56 of 1,545,168 alleles (0.0036%); highest among the groups gnomAD compares: Admixed American, 0.0098%; no homozygotes.

Submissions (3):

Women's Health and Genetics/Laboratory Corporation of America, LabCorp
Classification: Uncertain significance. Last evaluated: 2025-11-20. Review status: criteria provided, single submitter. Criteria: LabCorp Variant Classification Summary - May 2015. Collection method: clinical testing. Allele origin: germline.
Comment: Variant summary: CACNA1H c.3584G>A (p.Arg1195Gln) results in a conservative amino acid change in the encoded protein sequence. Algorithms developed to predict the effect of missense changes on protein structure and function are either unavailable or do not agree on the potential impact of this missense change. The variant allele was found at a frequency of 5.7e-05 in 141276 control chromosomes. The available data on variant occurrences in the general population are insufficient to allow any conclusion about variant significance. To our knowledge, no occurrence of c.3584G>A in individuals affected with CACNA1H-related conditions and no experimental evidence demonstrating its impact on protein function have been reported. The following publications have been ascertained in the context of this evaluation (PMID: 36484990, 38849547). ClinVar contains an entry for this variant (Variation ID: 1015188). Based on the evidence outlined above, the variant was classified as uncertain significance.

Labcorp Genetics (formerly Invitae), Labcorp
Classification: Benign for Idiopathic generalized epilepsy; Hyperaldosteronism, familial, type IV. Last evaluated: 2025-10-10. Review status: criteria provided, single submitter. Criteria: Invitae Variant Classification Sherloc (09022015). Collection method: clinical testing. Allele origin: germline.

Fulgent Genetics
Classification: Uncertain significance for Epilepsy, childhood absence, susceptibility to, 6; Hyperaldosteronism, familial, type IV. Last evaluated: 2022-04-14. Review status: criteria provided, single submitter. Criteria: ACMG Guidelines, 2015. Collection method: clinical testing. Allele origin: unknown.

Literature cited by the submitters: PubMed 36484990 (cited by Women's Health and Genetics/Laboratory Corporation of America, LabCorp); PubMed 38849547 (cited by Women's Health and Genetics/Laboratory Corporation of America, LabCorp).

NM_021098.3(CACNA1H):c.3584G>A (p.Arg1195Gln)

Gene: CACNA1H (calcium voltage-gated channel subunit alpha1 H; plus strand). Cytogenetic location: 16p13.3.
Variant type: single nucleotide variant.
Coding change: c.3584G>A on transcript NM_021098.3 (MANE Select); coding-DNA position 3584, G replaced by A.
Protein change: p.Arg1195Gln; replaces arginine 1195 with glutamine.
Molecular consequence: missense variant.
Genome position (GRCh38, 1-based): chr16:1,209,252, G>A. VCF-style: chr16-1209252-G-A. GRCh37 (hg19) VCF-style: chr16-1259252-G-A.
Other names: c.3584G>A, p.Arg1195Gln (NM_001005407.2); short protein forms R1195Q.
Identifiers: ClinVar variation 1015188 (VCV001015188.8), dbSNP rs758674093, ClinGen allele CA7800805.